The following is an entry in ClinVar:

ClinVar aggregate classification (germline): Conflicting classifications of pathogenicity. Review status: criteria provided, conflicting classifications (1 of 4 stars). 2 submissions from 2 submitters: Uncertain significance (1); Likely benign (1). Last evaluated 2026-08-13.

Conditions:
TTN-related disorder. Also called: TTN-related disorders; TTN-related condition; TTN-related disease.

gnomAD v4.1: 22 of 1,609,000 alleles (0.0014%); highest among the groups gnomAD compares: Non-Finnish European, 0.0018%; no homozygotes.

Submissions (2):

PreventionGenetics, part of Exact Sciences
Classification: Uncertain significance for TTN-related condition. Last evaluated: 2026-08-13. Review status: criteria provided, single submitter. Criteria: ACMG Guidelines, 2015. Collection method: clinical testing. Allele origin: germline.
Comment: The TTN c.41309C>A variant is predicted to result in the amino acid substitution p.Thr13770Lys. To our knowledge, this variant has not been reported in the literature. This variant is reported in 0.0018% of alleles in individuals of European (Non-Finnish) descent in gnomAD. At this time, the clinical significance of this variant is uncertain due to the absence of conclusive functional and genetic evidence.

Blueprint Genetics
Classification: Likely benign. Last evaluated: 2022-12-01. Review status: criteria provided, single submitter. Criteria: ACMG Guidelines, 2015. Collection method: clinical testing. Allele origin: germline.

NM_001267550.2(TTN):c.41309C>A (p.Thr13770Lys)

Gene: TTN (titin; minus strand). Cytogenetic location: 2q31.2.
Variant type: single nucleotide variant.
Coding change: c.41309C>A on transcript NM_001267550.2 (MANE Select); coding-DNA position 41309, C replaced by A.
Protein change: p.Thr13770Lys; replaces threonine 13770 with lysine.
Molecular consequence: missense variant.
Genome position (GRCh38, 1-based): chr2:178,636,418, G>T on the plus strand (C>A on the coding strand, the complement: TTN is on the minus strand). VCF-style: chr2-178636418-G-T. GRCh37 (hg19) VCF-style: chr2-179501145-G-T.
Other names: c.36386C>A, p.Thr12129Lys (NM_001256850.1); c.14114C>A, p.Thr4705Lys (NM_003319.4); c.33605C>A, p.Thr11202Lys (NM_133378.4); c.14489C>A, p.Thr4830Lys (NM_133432.3); c.14690C>A, p.Thr4897Lys (NM_133437.4); short protein forms T11202K, T12129K, T13770K, T4705K, T4830K, T4897K.
Identifiers: ClinVar variation 4958401 (VCV004958401.2).
Genomic context (GRCh38, chr2:178,636,418, plus strand): 5'-AAAGTTTAATATAGATTATGTTCAGAAGACTAGAAATTACCTTCTACAACAAGTTTAGCC[G>T]TGGAGGTCTTTTCTTTGTTTCCCAAACGTAAAACACAGGTGTATTCACCAGCATCGGAAA-3'
Protein context (NP_001254479.2, residues 13760-13780): LRLGNKEKTS[Thr13770Lys]AKLVVEELPV